The following is an entry in ClinVar:

NM_001458.5(FLNC):c.7562-3C>T

Genes: FLNC (filamin C; plus strand), FLNC-AS1 (FLNC antisense RNA 1; minus strand). Cytogenetic location: 7q32.1.
Variant type: single nucleotide variant.
Coding change: c.7562-3C>T on transcript NM_001458.5 (MANE Select); 3 bases into the intron before coding-DNA position 7562, C replaced by T.
Molecular consequence: intron variant.
Genome position (GRCh38, 1-based): chr7:128,857,115, C>T. VCF-style: chr7-128857115-C-T. GRCh37 (hg19) VCF-style: chr7-128497169-C-T.
Other names: c.7463-3C>T (NM_001127487.2).
Identifiers: ClinVar variation 1518392 (VCV001518392.6), dbSNP rs1358745378, ClinGen allele CA578150669.
Genomic context (GRCh38, chr7:128,857,115, plus strand): 5'-GGCCCAGTCCCTCTTGGGCCACAAGCCCTTCCTGCCCTCAGCCTTGCTACCTCTGGCCCC[C>T]AGGTGTGTCATCAGAGTTCATCGTGAACACCCTGAATGCCGGCTCGGGGGCCTTGTCTGT-3'

ClinVar aggregate classification (germline): Uncertain significance (1 of 4 stars; one submission).

Conditions:
Myofibrillar myopathy 5. Also called: Filaminopathy (type); FILAMINOPATHY, AUTOSOMAL DOMINANT. Identifiers: Orphanet 171445, MedGen C1836050, MONDO:0012289, OMIM 609524.
Hypertrophic cardiomyopathy 26. Also called: Cardiomyopathy, familial hypertrophic, 26. Identifiers: Orphanet 75249, MedGen C4310749, MONDO:0014883, OMIM 617047.
Distal myopathy with posterior leg and anterior hand involvement. Also called: WILLIAMS DISTAL MYOPATHY. Identifiers: Orphanet 63273, MedGen C3279722, MONDO:0013550, OMIM 614065.

Allele frequency attached by ClinVar (database versions not stated): gnomAD exomes below 0.00001 and 0.00001; TOPMed 0.00001.
gnomAD v4.1: 3 of 1,613,910 alleles (0.00019%); highest among the groups gnomAD compares: African/African-American, 0.0027%; no homozygotes.

Submission:

Labcorp Genetics (formerly Invitae), Labcorp
Classification: Uncertain significance for Distal myopathy with posterior leg and anterior hand involvement; Myofibrillar myopathy 5; Hypertrophic cardiomyopathy 26. Last evaluated: 2024-09-14. Review status: criteria provided, single submitter. Criteria: Invitae Variant Classification Sherloc (09022015). Collection method: clinical testing. Allele origin: germline.
Comment: This sequence change falls in intron 45 of the FLNC gene. It does not directly change the encoded amino acid sequence of the FLNC protein. It affects a nucleotide within the consensus splice site. This variant is present in population databases (no rsID available, gnomAD 0.003%). This variant has not been reported in the literature in individuals affected with FLNC-related conditions. ClinVar contains an entry for this variant (Variation ID: 1518392). Variants that disrupt the consensus splice site are a relatively common cause of aberrant splicing (PMID: 17576681, 9536098). Algorithms developed to predict the effect of sequence changes on RNA splicing suggest that this variant is not likely to affect RNA splicing. In summary, the available evidence is currently insufficient to determine the role of this variant in disease. Therefore, it has been classified as a Variant of Uncertain Significance.

Literature cited by the submitters: PubMed 17576681; PubMed 9536098.